The following is an entry in ClinVar:

NM_002016.2(FLG):c.8261G>A (p.Trp2754Ter)

Genes: CCDST (cervical cancer associated DHX9 suppressive transcript; plus strand), FLG (filaggrin; minus strand). Cytogenetic location: 1q21.3.
Variant type: single nucleotide variant.
Coding change: c.8261G>A on transcript NM_002016.2 (MANE Select); coding-DNA position 8261, G replaced by A.
Protein change: p.Trp2754Ter; replaces tryptophan 2754 with a stop codon.
Molecular consequence: nonsense.
Genome position (GRCh38, 1-based): chr1:152,306,625, C>T on the plus strand (G>A on the coding strand, the complement: FLG is on the minus strand). VCF-style: chr1-152306625-C-T. GRCh37 (hg19) VCF-style: chr1-152279101-C-T.
Other names: short protein forms W2754*.
Identifiers: ClinVar variation 4075471 (VCV004075471.1).

ClinVar aggregate classification (germline): Pathogenic (1 of 4 stars; one submission).

Submission:

GeneDx
Classification: Pathogenic. Last evaluated: 2025-02-12. Review status: criteria provided, single submitter. Criteria: GeneDx Variant Classification Process June 2021. Collection method: clinical testing. Allele origin: germline. Affected: yes.
Comment: Nonsense variant predicted to result in protein truncation, as the last 1308 amino acids are lost, and other loss-of-function variants have been reported downstream; Has not been previously published as pathogenic or benign to our knowledge; This variant is associated with the following publications: (PMID: 16444271)